The following is an entry in ClinVar:

NC_000001.10:g.(?_204130400)_(204135421_?)del

Gene: REN (renin; minus strand). Cytogenetic location: 1q32.1.
Variant type: Deletion.
Identifiers: ClinVar variation 2423261 (VCV002423261.3).

ClinVar aggregate classification (germline): Pathogenic (1 of 4 stars; one submission).

Submission:

Labcorp Genetics (formerly Invitae), Labcorp
Classification: Pathogenic. Last evaluated: 2022-07-14. Review status: criteria provided, single submitter. Criteria: Invitae Variant Classification Sherloc (09022015). Collection method: clinical testing. Allele origin: germline.
Comment: This variant is a gross deletion of the genomic region encompassing exon(s) 1-3 of the REN gene, which includes the initiator codon. This deletion extends beyond the assayed region for this gene and therefore may encompass additional genes. It is expected to result in an absent or disrupted protein product. Loss-of-function variants in REN are known to be pathogenic (PMID: 16116425, 22095942, 27994858). This variant has not been reported in the literature in individuals affected with REN-related conditions. For these reasons, this variant has been classified as Pathogenic.

Literature cited by the submitters: PubMed 16116425; PubMed 22095942; PubMed 27994858.